The following is an entry in ClinVar:

NM_001081.4(CUBN):c.9667T>C (p.Tyr3223His)

Gene: CUBN (cubilin; minus strand). Cytogenetic location: 10p13.
Variant type: single nucleotide variant.
Coding change: c.9667T>C on transcript NM_001081.4 (MANE Select); coding-DNA position 9667, T replaced by C.
Protein change: p.Tyr3223His; replaces tyrosine 3223 with histidine.
Molecular consequence: missense variant.
Genome position (GRCh38, 1-based): chr10:16,841,044, A>G on the plus strand (T>C on the coding strand, the complement: CUBN is on the minus strand). VCF-style: chr10-16841044-A-G. GRCh37 (hg19) VCF-style: chr10-16883043-A-G.
Other names: short protein forms Y3223H.
Identifiers: ClinVar variation 2085892 (VCV002085892.8), dbSNP rs143533714, ClinGen allele CA5422625.

ClinVar aggregate classification (germline): Uncertain significance. Review status: criteria provided, multiple submitters, no conflicts (2 of 4 stars). 5 submissions from 5 submitters: Uncertain significance (5). Last evaluated 2025-06-12.

Conditions:
Imerslund-Grasbeck syndrome type 1 (IGS1). Also called: Imerslund-Gräsbeck syndrome 1; Megaloblastic anemia 1, Finnish type; MEGALOBLASTIC ANEMIA, 1. Identifiers: MedGen C4016819, MONDO:0100156, OMIM 261100.
Proteinuria, chronic benign. Identifiers: MedGen C5394384, MONDO:0030042, OMIM 618884.
Imerslund-Grasbeck syndrome. Also called: ENTEROCYTE COBALAMIN MALABSORPTION; ENTEROCYTE INTRINSIC FACTOR RECEPTOR, DEFECT OF; Megaloblastic anemia due to inborn errors of metabolism; PERNICIOUS ANEMIA, JUVENILE, DUE TO SELECTIVE INTESTINAL MALABSORPTION OF VITAMIN B12, WITH PROTEINURIA; Imerslund-Gräsbeck syndrome. Identifiers: Orphanet 35858, MedGen C4551825, MONDO:0009853.
Inborn genetic diseases. Identifiers: MedGen C0950123, MeSH D030342.

Allele frequency attached by ClinVar (database versions not stated): gnomAD exomes 0.00001; ExAC 0.00003; gnomAD 0.00017; TOPMed 0.00019; ESP Exome Variant Server 0.00023.
gnomAD v4.1: 44 of 1,614,034 alleles (0.0027%); highest among the groups gnomAD compares: African/African-American, 0.049%; no homozygotes.

Submissions (5):

Labcorp Genetics (formerly Invitae), Labcorp
Classification: Uncertain significance for Imerslund-Grasbeck syndrome. Last evaluated: 2025-06-12. Review status: criteria provided, single submitter. Criteria: Invitae Variant Classification Sherloc (09022015). Collection method: clinical testing. Allele origin: germline.
Comment: This sequence change replaces tyrosine, which is neutral and polar, with histidine, which is basic and polar, at codon 3223 of the CUBN protein (p.Tyr3223His). This variant is present in population databases (rs143533714, gnomAD 0.05%). This variant has not been reported in the literature in individuals affected with CUBN-related conditions. ClinVar contains an entry for this variant (Variation ID: 2085892). Invitae Evidence Modeling of protein sequence and biophysical properties (such as structural, functional, and spatial information, amino acid conservation, physicochemical variation, residue mobility, and thermodynamic stability) indicates that this missense variant is not expected to disrupt CUBN protein function with a negative predictive value of 80%. In summary, the available evidence is currently insufficient to determine the role of this variant in disease. Therefore, it has been classified as a Variant of Uncertain Significance.

Fulgent Genetics
Classification: Uncertain significance for Imerslund-Grasbeck syndrome type 1; Proteinuria, chronic benign. Last evaluated: 2024-02-27. Review status: criteria provided, single submitter. Criteria: ACMG Guidelines, 2015. Collection method: clinical testing. Allele origin: germline.

Ambry Genetics
Classification: Uncertain significance for Inborn genetic diseases. Last evaluated: 2023-09-23. Review status: criteria provided, single submitter. Criteria: Ambry Variant Classification Scheme 2023. Collection method: clinical testing. Allele origin: germline.

Institute for Clinical Genetics, University Hospital TU Dresden, University Hospital TU Dresden
Classification: Uncertain significance. Last evaluated: 2022-12-14. Review status: criteria provided, single submitter. Criteria: ACMG Guidelines, 2015. Collection method: clinical testing. Allele origin: germline.
Comment: PM2_SUP

Blueprint Genetics
Classification: Uncertain significance. Last evaluated: 2022-07-08. Review status: criteria provided, single submitter. Criteria: ACMG Guidelines, 2015. Collection method: clinical testing. Allele origin: germline.